The following is an entry in ClinVar:

NM_006899.5(IDH3B):c.15C>G (p.Ser5Arg)

Gene: IDH3B (isocitrate dehydrogenase (NAD(+)) 3 non-catalytic subunit beta; minus strand). Cytogenetic location: 20p13.
Variant type: single nucleotide variant.
Coding change: c.15C>G on transcript NM_006899.5 (MANE Select); coding-DNA position 15, C replaced by G.
Protein change: p.Ser5Arg; replaces serine 5 with arginine.
Molecular consequence: missense variant. On other transcripts: non-coding transcript variant (1).
Genome position (GRCh38, 1-based): chr20:2,664,174, G>C on the plus strand (C>G on the coding strand, the complement: IDH3B is on the minus strand). VCF-style: chr20-2664174-G-C. GRCh37 (hg19) VCF-style: chr20-2644820-G-C.
Other names: c.15C>G, p.Ser5Arg (NM_001258384.3, NM_001330763.2, NM_174855.4); short protein forms S5R.
Identifiers: ClinVar variation 2115292 (VCV002115292.4), dbSNP rs951416395, ClinGen allele CA408041322.

ClinVar aggregate classification (germline): Uncertain significance (1 of 4 stars; one submission).

Submission:

Labcorp Genetics (formerly Invitae), Labcorp
Classification: Uncertain significance. Last evaluated: 2022-03-20. Review status: criteria provided, single submitter. Criteria: Invitae Variant Classification Sherloc (09022015). Collection method: clinical testing. Allele origin: germline.
Comment: This sequence change replaces serine, which is neutral and polar, with arginine, which is basic and polar, at codon 5 of the IDH3B protein (p.Ser5Arg). This variant is present in population databases (no rsID available, gnomAD 0.0009%). This variant has not been reported in the literature in individuals affected with IDH3B-related conditions. Algorithms developed to predict the effect of missense changes on protein structure and function are either unavailable or do not agree on the potential impact of this missense change (SIFT: "Not Available"; PolyPhen-2: "Benign"; Align-GVGD: "Not Available"). In summary, the available evidence is currently insufficient to determine the role of this variant in disease. Therefore, it has been classified as a Variant of Uncertain Significance.